The following is an entry in ClinVar:

NM_001377229.1(DISP1):c.1911G>C (p.Ala637=)

Gene: DISP1 (dispatched RND transporter family member 1; plus strand). Cytogenetic location: 1q41.
Variant type: single nucleotide variant.
Coding change: c.1911G>C on transcript NM_001377229.1 (MANE Select); coding-DNA position 1911, G replaced by C.
Protein change: p.Ala637=; no amino-acid change (alanine 637 retained).
Molecular consequence: synonymous variant.
Genome position (GRCh38, 1-based): chr1:223,003,308, G>C. VCF-style: chr1-223003308-G-C. GRCh37 (hg19) VCF-style: chr1-223176650-G-C.
Other names: c.1182G>C, p.Ala394= (NM_001350630.2); c.1911G>C, p.Ala637= (NM_001369594.1, NM_001377228.1, NM_032890.5).
Identifiers: ClinVar variation 755787 (VCV000755787.12), dbSNP rs140195081, ClinGen allele CA1409144.

ClinVar aggregate classification (germline): Likely benign. Review status: criteria provided, single submitter (1 of 4 stars). 2 submissions from 2 submitters: Likely benign (1). 1 of the submissions does not count toward it. Last evaluated 2025-11-16.

Conditions:
DISP1-related disorder. Also called: DISP1-related condition.

Allele frequency attached by ClinVar (database versions not stated): 1000 Genomes Project 30x 0.00062; 1000 Genomes Project 0.00080; TOPMed 0.00041.
gnomAD v4.1: 799 of 1,614,128 alleles (0.05%); highest among the groups gnomAD compares: Admixed American, 0.092%; no homozygotes.

Submissions (2):

Labcorp Genetics (formerly Invitae), Labcorp
Classification: Likely benign. Last evaluated: 2025-11-16. Review status: criteria provided, single submitter. Criteria: Invitae Variant Classification Sherloc (09022015). Collection method: clinical testing. Allele origin: germline.

PreventionGenetics, part of Exact Sciences
Classification: Likely benign for DISP1-related condition. Last evaluated: 2023-01-19. Review status: no assertion criteria provided. Collection method: clinical testing. Allele origin: germline. Not counted in ClinVar's aggregate classification.
Comment: This variant is classified as likely benign based on ACMG/AMP sequence variant interpretation guidelines (Richards et al. 2015 PMID: 25741868, with internal and published modifications).